The following is an entry in ClinVar:

ClinVar aggregate classification (germline): Pathogenic (1 of 4 stars; one submission).

Conditions:
Neurofibromatosis, type 1 (NF1). Also called: VON RECKLINGHAUSEN DISEASE; Peripheral type neurofibromatosis; Neurofibromatosis, type I; NEUROFIBROMATOSIS, TYPE I, SOMATIC. Identifiers: Orphanet 636, MedGen C0027831, MONDO:0018975, OMIM 162200. Disease mechanism: loss of function.

Submission:

Labcorp Genetics (formerly Invitae), Labcorp
Classification: Pathogenic for Neurofibromatosis, type 1. Last evaluated: 2021-03-27. Review status: criteria provided, single submitter. Criteria: Invitae Variant Classification Sherloc (09022015). Collection method: clinical testing. Allele origin: germline.
Comment: For these reasons, this variant has been classified as Pathogenic. This variant has not been reported in the literature in individuals with NF1-related conditions. This variant is not present in population databases (ExAC no frequency). This sequence change creates a premature translational stop signal (p.Gln1972Argfs*15) in the NF1 gene. It is expected to result in an absent or disrupted protein product. Loss-of-function variants in NF1 are known to be pathogenic (PMID: 10712197, 23913538).

Literature cited by the submitters: PubMed 10712197; PubMed 23913538.

NM_001042492.3(NF1):c.5978_5979del (p.Gln1993fs)

Gene: NF1 (neurofibromin 1; plus strand). Cytogenetic location: 17q11.2.
Variant type: Deletion.
Coding change: c.5978_5979del on transcript NM_001042492.3 (MANE Select); coding-DNA positions 5978 to 5979, 2 bases deleted (AA; older notation c.5978_5979delAA).
Protein change: p.Gln1993fs; shifts the reading frame from glutamine 1993.
Molecular consequence: frameshift variant.
Genome position (GRCh38, 1-based): chr17:31,335,003-31,335,004, AA deleted. VCF-style (leftmost placement, unchanged base first): chr17-31335002-CAA-C. GRCh37 (hg19) VCF-style: chr17-29662020-CAA-C.
Other names: c.5915_5916delAA, p.Gln1972Argfs (NM_000267.4); short protein forms Q1993fs, Q1972fs.
Identifiers: ClinVar variation 1386783 (VCV001386783.6), dbSNP rs2151550708, ClinGen allele CA2573153449.